The following is an entry in ClinVar:

NM_000382.3(ALDH3A2):c.224T>G (p.Leu75Arg)

Gene: ALDH3A2 (aldehyde dehydrogenase 3 family member A2; plus strand). Cytogenetic location: 17p11.2.
Variant type: single nucleotide variant.
Coding change: c.224T>G on transcript NM_000382.3 (MANE Select); coding-DNA position 224, T replaced by G.
Protein change: p.Leu75Arg; replaces leucine 75 with arginine.
Molecular consequence: missense variant. On other transcripts: 5 prime UTR variant (1).
Genome position (GRCh38, 1-based): chr17:19,651,617, T>G. VCF-style: chr17-19651617-T-G. GRCh37 (hg19) VCF-style: chr17-19554930-T-G.
Other names: c.224T>G, p.Leu75Arg (NM_001031806.2, NM_001369136.1, NM_001369137.2 and 3 more transcripts); c.-465T>G (NM_001369148.2); short protein forms L75R.
Identifiers: ClinVar variation 1348251 (VCV001348251.6), dbSNP rs2084815651, ClinGen allele CA398701750.
Genomic context (GRCh38, chr17:19,651,617, plus strand): 5'-ATGTGTACAGTCAGGAAGTCATTACTGTCCTTGGGGAAATTGATTTTATGCTTGAGAATC[T>G]TCCTGAATGGGTTACTGCTAAACCAGTTAAGAAGAACGTGCTCACCATGCTGGATGAGGC-3'
Protein context (NP_000373.1, residues 65-85): LGEIDFMLEN[Leu75Arg]PEWVTAKPVK

ClinVar aggregate classification (germline): Uncertain significance (1 of 4 stars; one submission).

Allele frequency attached by ClinVar (database versions not stated): TOPMed below 0.00001.

Submission:

Labcorp Genetics (formerly Invitae), Labcorp
Classification: Uncertain significance. Last evaluated: 2022-07-19. Review status: criteria provided, single submitter. Criteria: Invitae Variant Classification Sherloc (09022015). Collection method: clinical testing. Allele origin: germline.
Comment: In summary, the available evidence is currently insufficient to determine the role of this variant in disease. Therefore, it has been classified as a Variant of Uncertain Significance. Advanced modeling of protein sequence and biophysical properties (such as structural, functional, and spatial information, amino acid conservation, physicochemical variation, residue mobility, and thermodynamic stability) performed at Invitae indicates that this missense variant is expected to disrupt ALDH3A2 protein function. ClinVar contains an entry for this variant (Variation ID: 1348251). This variant has not been reported in the literature in individuals affected with ALDH3A2-related conditions. This variant is not present in population databases (gnomAD no frequency). This sequence change replaces leucine, which is neutral and non-polar, with arginine, which is basic and polar, at codon 75 of the ALDH3A2 protein (p.Leu75Arg).